The following is an entry in ClinVar:

ClinVar aggregate classification (germline): Pathogenic/Likely pathogenic. Review status: criteria provided, multiple submitters, no conflicts (2 of 4 stars). 3 submissions from 3 submitters: Pathogenic (1); Likely pathogenic (2). Last evaluated 2025-10-17.

Conditions:
NF1-related disorder. Also called: NF1-related condition. Identifiers: MedGen CN379171.
Neurofibromatosis, type 1 (NF1). Also called: Neurofibromatosis, type I; VON RECKLINGHAUSEN DISEASE; Peripheral type neurofibromatosis; NEUROFIBROMATOSIS, TYPE I, SOMATIC. Identifiers: Orphanet 636, MedGen C0027831, MONDO:0018975, OMIM 162200. Disease mechanism: loss of function.
Juvenile myelomonocytic leukemia (JMML). Also called: LEUKEMIA, JUVENILE MYELOMONOCYTIC, SOMATIC. Identifiers: Orphanet 86834, MedGen C0349639, MONDO:0011908, OMIM 607785, HP:0012209.

Submissions (3):

PreventionGenetics, part of Exact Sciences
Classification: Likely pathogenic for NF1-related condition. Last evaluated: 2025-10-17. Review status: criteria provided, single submitter. Criteria: ACMG Guidelines, 2015. Collection method: clinical testing. Allele origin: germline.
Comment: The NF1 c.5029delG variant is predicted to result in a frameshift and premature protein termination (p.Val1677Serfs*21). To our knowledge, this variant has not been reported in the literature or a large population database (gnomAD), indicating this variant is rare. Frameshift variants in NF1 are expected to be pathogenic. This variant is interpreted as likely pathogenic.

Labcorp Genetics (formerly Invitae), Labcorp
Classification: Pathogenic for Neurofibromatosis, type 1. Last evaluated: 2022-03-02. Review status: criteria provided, single submitter. Criteria: Invitae Variant Classification Sherloc (09022015). Collection method: clinical testing. Allele origin: germline.
Comment: For these reasons, this variant has been classified as Pathogenic. This variant has not been reported in the literature in individuals affected with NF1-related conditions. This variant is not present in population databases (gnomAD no frequency). This sequence change creates a premature translational stop signal (p.Val1656Serfs*21) in the NF1 gene. It is expected to result in an absent or disrupted protein product. Loss-of-function variants in NF1 are known to be pathogenic (PMID: 10712197, 23913538).

Baylor Genetics
Classification: Likely pathogenic for Juvenile myelomonocytic leukemia. Last evaluated: 2021-08-13. Review status: criteria provided, single submitter. Criteria: ACMG Guidelines, 2015. Collection method: clinical testing. Allele origin: unknown.

Literature cited by the submitters: PubMed 10712197 (cited by Labcorp Genetics (formerly Invitae), Labcorp); PubMed 23913538 (cited by Labcorp Genetics (formerly Invitae), Labcorp).

NM_001042492.3(NF1):c.5029del (p.Val1677fs)

Gene: NF1 (neurofibromin 1; plus strand). Cytogenetic location: 17q11.2.
Variant type: Deletion.
Coding change: c.5029del on transcript NM_001042492.3 (MANE Select); coding-DNA position 5029, one base deleted (G; older notation c.5029delG).
Protein change: p.Val1677fs; shifts the reading frame from valine 1677.
Molecular consequence: frameshift variant.
Genome position (GRCh38, 1-based): chr17:31,326,013, G deleted. VCF-style (leftmost placement, unchanged base first): chr17-31326012-AG-A. GRCh37 (hg19) VCF-style: chr17-29653030-AG-A.
Other names: c.4966delG, p.Val1656Serfs (NM_000267.4); short protein forms V1656fs, V1677fs.
Identifiers: ClinVar variation 2104608 (VCV002104608.6), dbSNP rs2508696222, ClinGen allele CA2580092990.